The following is an entry in ClinVar:

ClinVar aggregate classification (germline): Pathogenic (1 of 4 stars; one submission).

Conditions:
Neuromuscular disease caused by qualitative or quantitative defects of dysferlin. Also called: Qualitative or quantitative defects of dysferlin; Dysferlinopathy. Identifiers: Orphanet 207073, MedGen C2931687, MONDO:0016145.

Submission:

Labcorp Genetics (formerly Invitae), Labcorp
Classification: Pathogenic for Neuromuscular disease caused by qualitative or quantitative defects of dysferlin. Last evaluated: 2024-01-05. Review status: criteria provided, single submitter. Criteria: Invitae Variant Classification Sherloc (09022015). Collection method: clinical testing. Allele origin: germline.
Comment: This sequence change creates a premature translational stop signal (p.Ile1980Thrfs*16) in the DYSF gene. It is expected to result in an absent or disrupted protein product. Loss-of-function variants in DYSF are known to be pathogenic (PMID: 17698709, 20301480). This variant is not present in population databases (gnomAD no frequency). This variant has not been reported in the literature in individuals affected with DYSF-related conditions. For these reasons, this variant has been classified as Pathogenic.

Literature cited by the submitters: PubMed 17698709; PubMed 20301480.

NM_001130987.2(DYSF):c.6056_6057del (p.Ile2019fs)

Gene: DYSF (dysferlin; plus strand). Cytogenetic location: 2p13.2.
Variant type: Deletion.
Coding change: c.6056_6057del on transcript NM_001130987.2 (MANE Select); coding-DNA positions 6056 to 6057, 2 bases deleted (TA; older notation c.6056_6057delTA).
Protein change: p.Ile2019fs; shifts the reading frame from isoleucine 2019.
Molecular consequence: frameshift variant.
Genome position (GRCh38, 1-based): chr2:71,679,228-71,679,229, TA deleted; deleting any 2 consecutive bases within chr2:71,679,227-71,679,229 gives the same sequence; the c. name uses the placement nearest the transcript's 3' end. VCF-style (leftmost placement, unchanged base first): chr2-71679226-AAT-A. GRCh37 (hg19) VCF-style: chr2-71906356-AAT-A.
Other names: c.5942_5943del, p.Ile1981fs (NM_001130455.2); c.5897_5898del, p.Ile1966fs (NM_001130976.2); c.5960_5961del, p.Ile1987fs (NM_001130977.2); c.6002_6003del, p.Ile2001fs (NM_001130978.2); c.6032_6033del, p.Ile2011fs (NM_001130979.2); c.5990_5991del, p.Ile1997fs (NM_001130980.2); c.6053_6054del, p.Ile2018fs (NM_001130981.2); c.6035_6036del, p.Ile2012fs (NM_001130982.2); and 5 more; short protein forms I1980fs, I2001fs, I2002fs, I2011fs, I1981fs, I1988fs, I1997fs, I2018fs.
Identifiers: ClinVar variation 2707759 (VCV002707759.3), dbSNP rs2546634638, ClinGen allele CA2697548262.
Genomic context (GRCh38, chr2:71,679,226, plus strand): 5'-TTTTGAGCAGAAAACAGTGAAGGGCTGGTGGCCCTGTGTAGCAGAAGAGGGTGAGAAGAA[AAT>A]ACTGGCGGTAAGTCTACTTCCTCCAGCCCCAGTGGAGGGCATGGGGGAAGCTTCTTCCAT-3'